The following is an entry in ClinVar:

NM_002291.3(LAMB1):c.4782G>C (p.Met1594Ile)

Gene: LAMB1 (laminin subunit beta 1; minus strand). Cytogenetic location: 7q31.1.
Variant type: single nucleotide variant.
Coding change: c.4782G>C on transcript NM_002291.3 (MANE Select); coding-DNA position 4782, G replaced by C.
Protein change: p.Met1594Ile; replaces methionine 1594 with isoleucine.
Molecular consequence: missense variant.
Genome position (GRCh38, 1-based): chr7:107,929,169, C>G on the plus strand (G>C on the coding strand, the complement: LAMB1 is on the minus strand). VCF-style: chr7-107929169-C-G. GRCh37 (hg19) VCF-style: chr7-107569614-C-G.
Other names: short protein forms M1594I.
Identifiers: ClinVar variation 2116918 (VCV002116918.4), dbSNP rs1243678696, ClinGen allele CA368862098.
Genomic context (GRCh38, chr7:107,929,169, plus strand): 5'-TTTAATTGCCTTCTCTGCTGCGACCTGGGCCTTTTCTGCTTCTTCCAGAGCTTCCTTTAC[C>G]ATATCTGCAGTGACTTTAACATCTGTTGCACTTTTGCTGAGTAAAAAATAATGAGACAGT-3'
Protein context (NP_002282.2, residues 1584-1604): SATDVKVTAD[Met1594Ile]VKEALEEAEK

ClinVar aggregate classification (germline): Uncertain significance (1 of 4 stars; one submission).

Submission:

Labcorp Genetics (formerly Invitae), Labcorp
Classification: Uncertain significance. Last evaluated: 2022-03-25. Review status: criteria provided, single submitter. Criteria: Invitae Variant Classification Sherloc (09022015). Collection method: clinical testing. Allele origin: germline.
Comment: This variant is not present in population databases (gnomAD no frequency). In summary, the available evidence is currently insufficient to determine the role of this variant in disease. Therefore, it has been classified as a Variant of Uncertain Significance. Algorithms developed to predict the effect of missense changes on protein structure and function are either unavailable or do not agree on the potential impact of this missense change (SIFT: "Deleterious"; PolyPhen-2: "Benign"; Align-GVGD: "Class C0"). This variant has not been reported in the literature in individuals affected with LAMB1-related conditions. This sequence change replaces methionine, which is neutral and non-polar, with isoleucine, which is neutral and non-polar, at codon 1594 of the LAMB1 protein (p.Met1594Ile).